The following is an entry in ClinVar:

ClinVar aggregate classification (germline): Uncertain significance. Review status: criteria provided, multiple submitters, no conflicts (2 of 4 stars). 14 submissions from 12 submitters: Uncertain significance (14). Last evaluated 2025-12-22.

Conditions:
Congenital multicore myopathy with external ophthalmoplegia (CMYO1B). Also called: Minicore myopathy with external ophthalmoplegia; MULTIMINICORE DISEASE WITH EXTERNAL OPHTHALMOPLEGIA; Congenital myopathy 1B, autosomal recessive; Minicore myopathy; MULTICORE MYOPATHY. Identifiers: Orphanet 598, Orphanet 98905, MedGen C1850674, MONDO:0009712, OMIM 255320, HP:0003789.
Central core myopathy (CMYO1A). Also called: CONGENITAL MYOPATHY 1A, AUTOSOMAL DOMINANT, WITH SUSCEPTIBILITY TO MALIGNANT HYPERTHERMIA; Central core disease; Myopathy, central fibrillar. Identifiers: Orphanet 597, MedGen C5830701, MONDO:0007294, OMIM 117000.
Malignant hyperthermia, susceptibility to, 1 (MHS1). Also called: Anesthesia related hyperthermia; Malignant hyperpyrexia; Fulminating hyperpyrexia; Pharmacogenic myopathy; Malignant hyperthermia suceptibility 1; RYR1-Related Malignant Hyperthermia Susceptibility. Identifiers: Orphanet 423, MedGen C2930980, MONDO:0007783, OMIM 145600.
Congenital myopathy with fiber type disproportion. Also called: Congenital fiber-type disproportion myopathy; Congenital fiber-type disproportion. Identifiers: Orphanet 2020, MedGen C0546264, MONDO:0009711. Inheritance: all.
King Denborough syndrome (KDS). Identifiers: MedGen C1840365, MONDO:0020485, OMIM 619542.
Long QT syndrome (LQTS). Identifiers: MedGen C0023976, MeSH D008133, MONDO:0002442. Disease mechanism: loss of function. Inheritance: Various modes of inheritance.
RYR1-related disorder. Also called: RYR1-related condition; RYR1-related disorders. Identifiers: MedGen CN239331.

Allele frequency attached by ClinVar (database versions not stated): TOPMed 0.00002.
gnomAD v4.1: 51 of 1,611,624 alleles (0.0032%); highest among the groups gnomAD compares: Middle Eastern, 0.033%; no homozygotes.

Submissions (14):

Dasa
Classification: Uncertain significance for Malignant hyperthermia, susceptibility to, 1. Last evaluated: 2025-12-22. Review status: criteria provided, single submitter. Criteria: DASA Assertion Criteria. Collection method: clinical testing. Allele origin: germline.
Comment: NM_000540.3(RYR1):c.7880T>G (p.Val2627Gly) is a missense variant that results in the substitution of valine with glycine. The affected residue or protein region has prior evidence supporting clinical relevance. This variant is rare in population databases. Computational prediction algorithms are consistent with a deleterious effect. The currently available literature and clinical evidence are not sufficient to establish a definitive association between this variant and the reported condition. Therefore, this variant is classified as a variant of uncertain significance.

Women's Health and Genetics/Laboratory Corporation of America, LabCorp
Classification: Uncertain significance. Last evaluated: 2024-11-19. Review status: criteria provided, single submitter. Criteria: LabCorp Variant Classification Summary - May 2015. Collection method: clinical testing. Allele origin: germline.
Comment: Variant summary: RYR1 c.7880T>G (p.Val2627Gly) results in a non-conservative amino acid change in the encoded protein sequence. Five of five in-silico tools predict a damaging effect of the variant on protein function. The variant allele was found at a frequency of 5.2e-05 in 249716 control chromosomes. This frequency is not significantly higher than estimated for a pathogenic variant in RYR1 causing Malignant Hyperthermia Susceptibility (5.2e-05 vs 8.8e-05), allowing no conclusion about variant significance. To our knowledge, no occurrence of c.7880T>G in individuals affected with verified Malignant Hyperthermia Susceptibility and no experimental evidence demonstrating its impact on protein function have been reported. The following publications have been ascertained in the context of this evaluation (PMID: 35697689, 23460944, 35285867). ClinVar contains an entry for this variant (Variation ID: 590599). Based on the evidence outlined above, the variant was classified as uncertain significance.

All of Us Research Program, National Institutes of Health
Classification: Uncertain significance for Malignant hyperthermia, susceptibility to, 1. Last evaluated: 2024-08-06. Review status: criteria provided, single submitter. Criteria: ACMG Guidelines, 2015. Collection method: clinical testing. Allele origin: germline. Inheritance: Autosomal dominant inheritance. Observed: 14 variant alleles, 14 heterozygotes.
Comment: This missense variant replaces valine with glycine at codon 2627 of the RYR1 protein. Computational prediction suggests that this variant may have deleterious impact on protein structure and function (internally defined REVEL score threshold >= 0.7, PMID: 27666373). To our knowledge, functional studies have not been reported for this variant. This variant has been reported in an individual affected with malignant hyperthermia susceptibility (PMID: 23460944). This variant has been identified in 13/249716 chromosomes in the general population by the Genome Aggregation Database (gnomAD). A different variant occurring at the same codon, c.7879G>C (p.Val2627Leu), is a known pathogenic mutation (ClinVar Variation ID: 1321038), suggesting that Val at this position is important for RYR1 protein function. The available evidence is insufficient to determine the role of this variant in disease conclusively. Therefore, this variant is classified as a Variant of Uncertain Significance.

This study involves interpretation of variants in research participants for the purpose of population health screening. Participant phenotype was not available at the time of variant classification. Additional details can be found in publication PMID: 35346344, PMCID: PMC8962531

Blueprint Genetics
Classification: Uncertain significance. Last evaluated: 2024-06-28. Review status: criteria provided, single submitter. Criteria: ACMG Guidelines, 2015. Collection method: clinical testing. Allele origin: germline.

Color Diagnostics, LLC DBA Color Health
Classification: Uncertain significance for Malignant hyperthermia, susceptibility to, 1. Last evaluated: 2024-03-08. Review status: criteria provided, single submitter. Criteria: ACMG Guidelines, 2015. Collection method: clinical testing. Allele origin: germline.
Comment: This missense variant replaces valine with glycine at codon 2627 of the RYR1 protein. Computational prediction suggests that this variant may have deleterious impact on protein structure and function. To our knowledge, functional studies have not been reported for this variant. This variant has been reported in an individual affected with malignant hyperthermia susceptibility (PMID: 23460944). This variant has been identified in 13/249716 chromosomes in the general population by the Genome Aggregation Database (gnomAD). A different variant occurring at the same codon, c.7879G>C (p.Val2627Leu), is a known pathogenic mutation (ClinVar Variation ID: 1321038), suggesting that Val at this position is important for RYR1 protein function. The available evidence is insufficient to determine the role of this variant in disease conclusively. Therefore, this variant is classified as a Variant of Uncertain Significance.

Dept of Medical Biology, Uskudar University
Classification: Uncertain significance for Long QT syndrome. Last evaluated: 2024-01-08. Review status: criteria provided, single submitter. Criteria: Dept of Medical Biology Variant Classification. Collection method: research. Allele origin: paternal. Affected: yes. Observed: 1 variant allele.
Comment: Criteria: PM2, PM5, PP3

Institute of Human Genetics, University of Leipzig Medical Center
Classification: Uncertain significance for Congenital multicore myopathy with external ophthalmoplegia. Last evaluated: 2023-11-20. Review status: criteria provided, single submitter. Criteria: ACMG Guidelines, 2015. Collection method: clinical testing. Allele origin: unknown. Inheritance: Autosomal recessive inheritance. Affected: yes.
Comment: Criteria applied: PS4_MOD,PM2_SUP,PP3

Revvity Omics, Revvity
Classification: Uncertain significance. Last evaluated: 2023-05-23. Review status: criteria provided, single submitter. Criteria: ACMG Guidelines, 2015. Collection method: clinical testing. Allele origin: germline.

Labcorp Genetics (formerly Invitae), Labcorp
Classification: Uncertain significance for RYR1-related disorder. Last evaluated: 2021-11-01. Review status: criteria provided, single submitter. Criteria: Invitae Variant Classification Sherloc (09022015). Collection method: clinical testing. Allele origin: germline.
Comment: This sequence change replaces valine, which is neutral and non-polar, with glycine, which is neutral and non-polar, at codon 2627 of the RYR1 protein (p.Val2627Gly). This variant is present in population databases (no rsID available, gnomAD 0.02%). This variant has not been reported in the literature in individuals affected with RYR1-related conditions. ClinVar contains an entry for this variant (Variation ID: 590599). Advanced modeling of protein sequence and biophysical properties (such as structural, functional, and spatial information, amino acid conservation, physicochemical variation, residue mobility, and thermodynamic stability) performed at Invitae indicates that this missense variant is expected to disrupt RYR1 protein function. In summary, the available evidence is currently insufficient to determine the role of this variant in disease. Therefore, it has been classified as a Variant of Uncertain Significance.

Fulgent Genetics
Classification: Uncertain significance for Central core myopathy; Malignant hyperthermia, susceptibility to, 1; Congenital myopathy 4A, autosomal dominant; Congenital multicore myopathy with external ophthalmoplegia; King Denborough syndrome. Last evaluated: 2021-10-08. Review status: criteria provided, single submitter. Criteria: ACMG Guidelines, 2015. Collection method: clinical testing. Allele origin: unknown.

PreventionGenetics, part of Exact Sciences
Classification: Uncertain significance. Last evaluated: 2018-10-11. Review status: criteria provided, single submitter. Criteria: ACMG Guidelines, 2015. Collection method: clinical testing. Allele origin: germline.

Illumina Laboratory Services, Illumina
Classification: Uncertain significance for Malignant hyperthermia, susceptibility to, 1. Last evaluated: 2018-01-12. Review status: criteria provided, single submitter. Criteria: ICSL Variant Classification Criteria 13 December 2019. Collection method: clinical testing. Allele origin: germline.

Illumina Laboratory Services, Illumina
Classification: Uncertain significance for Central core myopathy. Last evaluated: 2018-01-12. Review status: criteria provided, single submitter. Criteria: ICSL Variant Classification Criteria 13 December 2019. Collection method: clinical testing. Allele origin: germline.

Illumina Laboratory Services, Illumina
Classification: Uncertain significance for Congenital multicore myopathy with external ophthalmoplegia. Last evaluated: 2018-01-12. Review status: criteria provided, single submitter. Criteria: ICSL Variant Classification Criteria 13 December 2019. Collection method: clinical testing. Allele origin: germline.

Literature cited by the submitters: PubMed 35285867 (cited by Women's Health and Genetics/Laboratory Corporation of America, LabCorp); PubMed 35697689 (cited by Women's Health and Genetics/Laboratory Corporation of America, LabCorp); PubMed 23460944 (cited by 3 submitters).

NM_000540.3(RYR1):c.7880T>G (p.Val2627Gly)

Gene: RYR1 (ryanodine receptor 1; plus strand). Cytogenetic location: 19q13.2.
Variant type: single nucleotide variant.
Coding change: c.7880T>G on transcript NM_000540.3 (MANE Select); coding-DNA position 7880, T replaced by G.
Protein change: p.Val2627Gly; replaces valine 2627 with glycine.
Molecular consequence: missense variant.
Genome position (GRCh38, 1-based): chr19:38,502,924, T>G. VCF-style: chr19-38502924-T-G. GRCh37 (hg19) VCF-style: chr19-38993564-T-G.
Other names: c.7880T>G, p.Val2627Gly (NM_001042723.2); short protein forms V2627G.
Identifiers: ClinVar variation 590599 (VCV000590599.23), dbSNP rs747337318, ClinGen allele CA082908.